The following is an entry in ClinVar:

NM_003803.4(MYOM1):c.1582A>G (p.Ile528Val)

Gene: MYOM1 (myomesin 1; minus strand). Cytogenetic location: 18p11.31.
Variant type: single nucleotide variant.
Coding change: c.1582A>G on transcript NM_003803.4 (MANE Select); coding-DNA position 1582, A replaced by G.
Protein change: p.Ile528Val; replaces isoleucine 528 with valine.
Molecular consequence: missense variant.
Genome position (GRCh38, 1-based): chr18:3,155,008, T>C on the plus strand (A>G on the coding strand, the complement: MYOM1 is on the minus strand). VCF-style: chr18-3155008-T-C. GRCh37 (hg19) VCF-style: chr18-3155006-T-C.
Other names: c.1582A>G, p.Ile528Val (NM_019856.2); short protein forms I528V.
Identifiers: ClinVar variation 1775731 (VCV001775731.3), dbSNP rs753840556, ClinGen allele CA8874910.

ClinVar aggregate classification (germline): Uncertain significance (1 of 4 stars; one submission).

Allele frequency attached by ClinVar (database versions not stated): ExAC 0.00001; gnomAD exomes 0.00001.
gnomAD v4.1: 20 of 1,613,420 alleles (0.0012%); highest among the groups gnomAD compares: Non-Finnish European, 0.0016%; no homozygotes.

Submission:

Ambry Genetics
Classification: Uncertain significance. Last evaluated: 2024-07-22. Review status: criteria provided, single submitter. Criteria: Ambry Variant Classification Scheme 2023. Collection method: clinical testing. Allele origin: germline.
Comment: The p.I528V variant (also known as c.1582A>G), located in coding exon 10 of the MYOM1 gene, results from an A to G substitution at nucleotide position 1582. The isoleucine at codon 528 is replaced by valine, an amino acid with highly similar properties. This amino acid position is conserved. In addition, this alteration is predicted to be tolerated by in silico analysis. Since supporting evidence is limited at this time, the clinical significance of this alteration remains unclear.